The following is an entry in ClinVar:

NM_004655.4(AXIN2):c.1709T>C (p.Phe570Ser)

Gene: AXIN2 (axin 2; minus strand). Cytogenetic location: 17q24.1.
Variant type: single nucleotide variant.
Coding change: c.1709T>C on transcript NM_004655.4 (MANE Select); coding-DNA position 1709, T replaced by C.
Protein change: p.Phe570Ser; replaces phenylalanine 570 with serine.
Molecular consequence: missense variant.
Genome position (GRCh38, 1-based): chr17:65,537,327, A>G on the plus strand (T>C on the coding strand, the complement: AXIN2 is on the minus strand). VCF-style: chr17-65537327-A-G. GRCh37 (hg19) VCF-style: chr17-63533445-A-G.
Other names: c.1709T>C, p.Phe570Ser (NM_001363813.1); short protein forms F570S.
Identifiers: ClinVar variation 1778510 (VCV001778510.7), dbSNP rs1297040678, ClinGen allele CA400676785.
Genomic context (GRCh38, chr17:65,537,327, plus strand): 5'-TGGACCTGGCTGGGAGACAAGCCCCACACGGGACACTGCGGTCCGCCCGGCACTTACCCA[A>G]ACTGCTCGCTGGGCATGGTTTCCGGAGCCTTGGAGTGGCTTTTGCATTTCGAGTAGCAGT-3'
Protein context (NP_004646.3, residues 560-580): KAPETMPSEQ[Phe570Ser]GGSRGSTLPK

ClinVar aggregate classification (germline): Uncertain significance. Review status: criteria provided, multiple submitters, no conflicts (2 of 4 stars). 3 submissions from 3 submitters: Uncertain significance (3). Last evaluated 2025-12-25.

Conditions:
Colorectal cancer. Also called: Colorectal cancer, somatic; Malignant Colorectal Neoplasm. Identifiers: MedGen C0346629, MONDO:0005575, OMIM 114500.
Hereditary cancer-predisposing syndrome. Also called: Neoplastic Syndromes, Hereditary; Tumor predisposition; Hereditary Cancer Syndrome; Hereditary neoplastic syndrome. Identifiers: Orphanet 140162, MedGen C0027672, MeSH D009386, MONDO:0015356.
Oligodontia-cancer predisposition syndrome. Also called: TOOTH AGENESIS-COLORECTAL CANCER SYNDROME. Identifiers: Orphanet 300576, MedGen C1837750, MONDO:0012075, OMIM 608615. Disease mechanism: loss of function.

Allele frequency attached by ClinVar (database versions not stated): gnomAD exomes below 0.00001.
gnomAD v4.1: 6 of 1,613,982 alleles (0.00037%); highest among the groups gnomAD compares: South Asian, 0.0055%; no homozygotes.

Submissions (3):

Labcorp Genetics (formerly Invitae), Labcorp
Classification: Uncertain significance for Oligodontia-cancer predisposition syndrome. Last evaluated: 2025-12-25. Review status: criteria provided, single submitter. Criteria: Invitae Variant Classification Sherloc (09022015). Collection method: clinical testing. Allele origin: germline.
Comment: This sequence change replaces phenylalanine, which is neutral and non-polar, with serine, which is neutral and polar, at codon 570 of the AXIN2 protein (p.Phe570Ser). This variant is present in population databases (no rsID available, gnomAD 0.006%). This variant has not been reported in the literature in individuals affected with AXIN2-related conditions. ClinVar contains an entry for this variant (Variation ID: 1778510). Invitae Evidence Modeling of protein sequence and biophysical properties (such as structural, functional, and spatial information, amino acid conservation, physicochemical variation, residue mobility, and thermodynamic stability) indicates that this missense variant is not expected to disrupt AXIN2 protein function with a negative predictive value of 80%. In summary, the available evidence is currently insufficient to determine the role of this variant in disease. Therefore, it has been classified as a Variant of Uncertain Significance.

Ambry Genetics
Classification: Uncertain significance for Hereditary cancer-predisposing syndrome. Last evaluated: 2024-02-26. Review status: criteria provided, single submitter. Criteria: Ambry Variant Classification Scheme 2023. Collection method: clinical testing. Allele origin: germline.
Comment: The p.F570S variant (also known as c.1709T>C), located in coding exon 5 of the AXIN2 gene, results from a T to C substitution at nucleotide position 1709. The phenylalanine at codon 570 is replaced by serine, an amino acid with highly dissimilar properties. This amino acid position is not well conserved in available vertebrate species. In addition, this alteration is predicted to be tolerated by in silico analysis. Since supporting evidence is limited at this time, the clinical significance of this alteration remains unclear.

Baylor Genetics
Classification: Uncertain significance for Colorectal cancer. Last evaluated: 2023-10-10. Review status: criteria provided, single submitter. Criteria: ACMG Guidelines, 2015. Collection method: clinical testing. Allele origin: unknown.